The following is an entry in ClinVar:

ClinVar aggregate classification (germline): Likely pathogenic. Review status: criteria provided, multiple submitters, no conflicts (2 of 4 stars). 5 submissions from 4 submitters: Likely pathogenic (4). 1 of the submissions does not count toward it. Last evaluated 2023-05-08.

Conditions:
Retinal dystrophy. Also called: Inherited retinal dystrophy. Identifiers: Orphanet 71862, MedGen C0854723, MeSH D058499, MONDO:0019118, HP:0000556.
Age related macular degeneration 2. Also called: MACULAR DEGENERATION, SENILE; MACULOPATHY, AGE-RELATED, 2; MACULOPATHY, AGE-RELATED. Identifiers: MedGen C3495438, MONDO:0007932, OMIM 153800.
Severe early-childhood-onset retinal dystrophy (STGD1). Also called: MACULAR DYSTROPHY WITH FLECKS, TYPE 1; STGD; Stargardt disease 1; Stargardt macular dystrophy; Juvenile onset macular degeneration. Identifiers: Orphanet 364055, Orphanet 827, MedGen C1855465, MeSH D000080362, MONDO:0009549, OMIM 248200.

Allele frequency attached by ClinVar (database versions not stated): gnomAD exomes below 0.00001.
gnomAD v4.1: 1 of 1,614,182 alleles (0.000062%); highest among the groups gnomAD compares: Non-Finnish European, 0.000085%; no homozygotes.

Submissions (5):

Labcorp Genetics (formerly Invitae), Labcorp
Classification: Likely pathogenic. Last evaluated: 2023-05-08. Review status: criteria provided, single submitter. Criteria: Invitae Variant Classification Sherloc (09022015). Collection method: clinical testing. Allele origin: germline.
Comment: This sequence change replaces glycine, which is neutral and non-polar, with glutamic acid, which is acidic and polar, at codon 1091 of the ABCA4 protein (p.Gly1091Glu). This variant is not present in population databases (gnomAD no frequency). This missense change has been observed in individual(s) with Stargardt disease (PMID: 29847635; Invitae). ClinVar contains an entry for this variant (Variation ID: 99213). Advanced modeling of protein sequence and biophysical properties (such as structural, functional, and spatial information, amino acid conservation, physicochemical variation, residue mobility, and thermodynamic stability) performed at Invitae indicates that this missense variant is expected to disrupt ABCA4 protein function. Experimental studies have shown that this missense change affects ABCA4 function (PMID: 29847635). In summary, the currently available evidence indicates that the variant is pathogenic, but additional data are needed to prove that conclusively. Therefore, this variant has been classified as Likely Pathogenic.

Centre for Mendelian Genomics, University Medical Centre Ljubljana
Classification: Likely pathogenic for Age related macular degeneration 2. Last evaluated: 2019-12-04. Review status: criteria provided, single submitter. Criteria: ACMG Guidelines, 2015. Collection method: clinical testing. Allele origin: unknown. Affected: yes.
Comment: This variant was classified as: Likely pathogenic. The following ACMG criteria were applied in classifying this variant: PS1,PM2,PP3.

Institute of Human Genetics, Univ. Regensburg, Univ. Regensburg
Classification: Likely pathogenic for Retinal dystrophy. Last evaluated: 2019-01-01. Review status: criteria provided, single submitter. Criteria: ACMG Guidelines, 2015. Collection method: clinical testing. Allele origin: germline. Affected: yes.

Institute of Human Genetics, Univ. Regensburg, Univ. Regensburg
Classification: Likely pathogenic for Severe early-childhood-onset retinal dystrophy. Last evaluated: 2016-01-01. Review status: criteria provided, single submitter. Criteria: Schulz et al. (Invest Ophthalmol Vis Sci. 2017). Collection method: clinical testing. Allele origin: germline. Affected: yes. Observed: 1 heterozygote.

Retina International
No classification provided. Review status: no classification provided. Collection method: not provided. Allele origin: not provided. Not counted in ClinVar's aggregate classification.

Literature cited by the submitters: PubMed 29847635 (cited by Labcorp Genetics (formerly Invitae), Labcorp and Institute of Human Genetics, Univ. Regensburg, Univ. Regensburg); PubMed 9781034 (cited by Institute of Human Genetics, Univ. Regensburg, Univ. Regensburg); PubMed 28118664 (cited by Institute of Human Genetics, Univ. Regensburg, Univ. Regensburg); PubMed 29555955 (cited by Institute of Human Genetics, Univ. Regensburg, Univ. Regensburg); PubMed 32307445 (cited by Institute of Human Genetics, Univ. Regensburg, Univ. Regensburg).

NM_000350.3(ABCA4):c.3272G>A (p.Gly1091Glu)

Gene: ABCA4 (ATP binding cassette subfamily A member 4; minus strand). Cytogenetic location: 1p22.1.
Variant type: single nucleotide variant.
Coding change: c.3272G>A on transcript NM_000350.3 (MANE Select); coding-DNA position 3272, G replaced by A.
Protein change: p.Gly1091Glu; replaces glycine 1091 with glutamic acid.
Molecular consequence: missense variant.
Genome position (GRCh38, 1-based): chr1:94,042,817, C>T on the plus strand (G>A on the coding strand, the complement: ABCA4 is on the minus strand). VCF-style: chr1-94042817-C-T. GRCh37 (hg19) VCF-style: chr1-94508373-C-T.
Other names: c.3050G>A, p.Gly1017Glu (NM_001425324.1); short protein forms G1091E, G1017E.
Identifiers: ClinVar variation 99213 (VCV000099213.13), dbSNP rs61752417, ClinGen allele CA227099.